The following is an entry in ClinVar:

ClinVar aggregate classification (germline): Likely benign. Review status: criteria provided, multiple submitters, no conflicts (2 of 4 stars). 3 submissions from 3 submitters: Likely benign (3). Last evaluated 2025-11-24.

Conditions:
CACNA1F-related disorder. Also called: CACNA1F-related condition.

Allele frequency attached by ClinVar (database versions not stated): gnomAD exomes 0.00004 and 0.00021; gnomAD 0.00006 and 0.00007; ExAC 0.00016.
gnomAD v4.1: 44 of 1,209,219 alleles (0.0036%); highest among the groups gnomAD compares: Admixed American, 0.094%; no homozygotes.

Submissions (3):

PreventionGenetics, part of Exact Sciences
Classification: Likely benign for CACNA1F-related condition. Last evaluated: 2025-11-24. Review status: criteria provided, single submitter. Criteria: ACMG Guidelines, 2015. Collection method: clinical testing. Allele origin: germline.
Comment: This variant is classified as likely benign based on ACMG/AMP sequence variant interpretation guidelines (Richards et al. 2015 PMID: 25741868, with internal and published modifications).

Labcorp Genetics (formerly Invitae), Labcorp
Classification: Likely benign. Last evaluated: 2023-07-17. Review status: criteria provided, single submitter. Criteria: Invitae Variant Classification Sherloc (09022015). Collection method: clinical testing. Allele origin: germline.

Blueprint Genetics
Classification: Likely benign. Last evaluated: 2019-12-27. Review status: criteria provided, single submitter. Criteria: ACMG Guidelines, 2015. Collection method: clinical testing. Allele origin: germline.

NM_001256789.3(CACNA1F):c.4759C>T (p.Arg1587Trp)

Genes: CACNA1F (calcium voltage-gated channel subunit alpha1 F; minus strand), LOC126863257 (BRD4-independent group 4 enhancer GRCh37_chrX:49065732-49066931; plus strand). Cytogenetic location: Xp11.23.
Variant type: single nucleotide variant.
Coding change: c.4759C>T on transcript NM_001256789.3 (MANE Select); coding-DNA position 4759, C replaced by T.
Protein change: p.Arg1587Trp; replaces arginine 1587 with tryptophan.
Molecular consequence: missense variant.
Genome position (GRCh38, 1-based): chrX:49,209,691, G>A on the plus strand (C>T on the coding strand, the complement: CACNA1F is on the minus strand). VCF-style: chrX-49209691-G-A. GRCh37 (hg19) VCF-style: chrX-49066151-G-A.
Other names: c.4792C>T, p.Arg1598Trp (NM_005183.4); c.4792C>T (NM_005183.3); c.4597C>T, p.Arg1533Trp (NM_001256790.3); short protein forms R1533W, R1587W, R1598W.
Identifiers: ClinVar variation 1670929 (VCV001670929.10), dbSNP rs782005032, ClinGen allele CA10410127.